The following is an entry in ClinVar:

ClinVar aggregate classification (germline): Uncertain significance. Review status: criteria provided, multiple submitters, no conflicts (2 of 4 stars). 2 submissions from 2 submitters: Uncertain significance (2). Last evaluated 2021-09-23.

Submissions (2):

Labcorp Genetics (formerly Invitae), Labcorp
Classification: Uncertain significance. Last evaluated: 2021-09-23. Review status: criteria provided, single submitter. Criteria: Invitae Variant Classification Sherloc (09022015). Collection method: clinical testing. Allele origin: germline.
Comment: This sequence change falls in intron 11 of the EXOSC9 gene. It does not directly change the encoded amino acid sequence of the EXOSC9 protein. It affects a nucleotide within the consensus splice site of the intron. The frequency data for this variant in the population databases is considered unreliable, as metrics indicate insufficient coverage at this position in the ExAC database. This variant has not been reported in the literature in individuals affected with EXOSC9-related conditions. Variants that disrupt the consensus splice site are a relatively common cause of aberrant splicing (PMID: 17576681, 9536098). Algorithms developed to predict the effect of sequence changes on RNA splicing suggest that this variant may disrupt the consensus splice site. In summary, the available evidence is currently insufficient to determine the role of this variant in disease. Therefore, it has been classified as a Variant of Uncertain Significance.

Breakthrough Genomics
Classification: Uncertain significance. Review status: criteria provided, single submitter. Criteria: ACMG Guidelines, 2015. Collection method: not provided. Allele origin: germline. Inheritance: Autosomal recessive inheritance. Affected: yes.

Literature cited by the submitters: PubMed 17576681 (cited by Labcorp Genetics (formerly Invitae), Labcorp); PubMed 9536098 (cited by Labcorp Genetics (formerly Invitae), Labcorp).

NM_005033.3(EXOSC9):c.1157-172A>G

Gene: EXOSC9 (exosome component 9; plus strand). Cytogenetic location: 4q27.
Variant type: single nucleotide variant.
Coding change: c.1157-172A>G on transcript NM_005033.3 (MANE Select); 172 bases into the intron before coding-DNA position 1157, A replaced by G.
Molecular consequence: intron variant.
Genome position (GRCh38, 1-based): chr4:121,816,197, A>G. VCF-style: chr4-121816197-A-G. GRCh37 (hg19) VCF-style: chr4-122737352-A-G.
Other names: c.1207+3A>G (NM_001034194.2).
Identifiers: ClinVar variation 1382800 (VCV001382800.7), dbSNP rs2149040602, ClinGen allele CA2573137976.
Genomic context (GRCh38, chr4:121,816,197, plus strand): 5'-TTAATAGAGCTGGGGTTTCACCATGTTGGCCAGACTGGACTCGAGTTCCTGACCTCAGGT[A>G]ATCCACCTGCCTCAGCCTACCAAAATGTGGGTATTAAAAGTGTGAGCCACCACGCCCAGC-3'